The following is an entry in ClinVar:

NM_020911.2(PLXNA4):c.5465C>T (p.Pro1822Leu)

Gene: PLXNA4 (plexin A4; minus strand). Cytogenetic location: 7q32.3.
Variant type: single nucleotide variant.
Coding change: c.5465C>T on transcript NM_020911.2 (MANE Select); coding-DNA position 5465, C replaced by T.
Protein change: p.Pro1822Leu; replaces proline 1822 with leucine.
Molecular consequence: missense variant.
Genome position (GRCh38, 1-based): chr7:132,133,173, G>A on the plus strand (C>T on the coding strand, the complement: PLXNA4 is on the minus strand). VCF-style: chr7-132133173-G-A. GRCh37 (hg19) VCF-style: chr7-131817932-G-A.
Other names: c.5465C>T, p.Pro1822Leu (NM_001393897.1); short protein forms P1822L.
Identifiers: ClinVar variation 4984853 (VCV004984853.1).

ClinVar aggregate classification (germline): Uncertain significance (1 of 4 stars; one submission).

Conditions:
PLXNA4-related disorder. Also called: PLXNA4-related condition.

gnomAD v4.1: 12 of 1,613,996 alleles (0.00074%); highest among the groups gnomAD compares: Non-Finnish European, 0.001%; no homozygotes.

Submission:

PreventionGenetics, part of Exact Sciences
Classification: Uncertain significance for PLXNA4-related condition. Last evaluated: 2025-08-30. Review status: criteria provided, single submitter. Criteria: ACMG Guidelines, 2015. Collection method: clinical testing. Allele origin: germline.
Comment: The PLXNA4 c.5465C>T variant is predicted to result in the amino acid substitution p.Pro1822Leu. To our knowledge, this variant has not been reported in the literature. This variant is reported in 0.0065% of alleles in individuals of European (Non-Finnish) descent in gnomAD. At this time, the clinical significance of this variant is uncertain due to the absence of conclusive functional and genetic evidence.